The following is an entry in ClinVar:

NM_004646.4(NPHS1):c.526+1G>A

Gene: NPHS1 (NPHS1 adhesion molecule, nephrin; minus strand). Cytogenetic location: 19q13.12.
Variant type: single nucleotide variant.
Coding change: c.526+1G>A on transcript NM_004646.4 (MANE Select); the canonical splice donor site of the intron after coding-DNA position 526, G replaced by A.
Molecular consequence: splice donor variant.
Genome position (GRCh38, 1-based): chr19:35,850,960, C>T on the plus strand (G>A on the coding strand, the complement: NPHS1 is on the minus strand). VCF-style: chr19-35850960-C-T. GRCh37 (hg19) VCF-style: chr19-36341862-C-T.
Identifiers: ClinVar variation 4815389 (VCV004815389.1).

ClinVar aggregate classification (germline): Pathogenic (1 of 4 stars; one submission).

Conditions:
Finnish congenital nephrotic syndrome (NPHS1). Also called: NEPHROTIC SYNDROME, TYPE 1. Identifiers: Orphanet 839, MedGen C0403399, MONDO:0009732, OMIM 256300.

Submission:

Natera, Inc.
Classification: Pathogenic for Finnish congenital nephrotic syndrome. Last evaluated: 2025-07-11. Review status: criteria provided, single submitter. Criteria: Natera Variant Classification Schema (03/2026). Collection method: clinical testing. Allele origin: germline.
Comment: The c.526+1G>A variant in NPHS1 is a canonical splice donor site variant predicted to affect pre-mRNA splicing, which may result in an abnormal transcript and altered protein product. This variant is expected to result in nonsense mediated decay, truncation, or a dysfunctional protein product. This variant is rare in the general population with a frequency below the threshold expected for the associated phenotype(s). This variant has been observed in one or more individuals affected with the associated recessive disease, as either homozygous or compound heterozygous with a second variant (PMID: 30963316, 32604935). Given the available evidence, this variant is classified as Pathogenic.

Literature cited by the submitters: PubMed 30963316; PubMed 32604935.